The following is an entry in ClinVar:

ClinVar aggregate classification (germline): Uncertain significance (1 of 4 stars; one submission).

Submission:

Labcorp Genetics (formerly Invitae), Labcorp
Classification: Uncertain significance. Last evaluated: 2022-08-19. Review status: criteria provided, single submitter. Criteria: Invitae Variant Classification Sherloc (09022015). Collection method: clinical testing. Allele origin: germline.
Comment: This sequence change replaces valine, which is neutral and non-polar, with alanine, which is neutral and non-polar, at codon 2485 of the NSD1 protein (p.Val2485Ala). This variant is not present in population databases (gnomAD no frequency). This variant has not been reported in the literature in individuals affected with NSD1-related conditions. Advanced modeling of protein sequence and biophysical properties (such as structural, functional, and spatial information, amino acid conservation, physicochemical variation, residue mobility, and thermodynamic stability) performed at Invitae indicates that this missense variant is not expected to disrupt NSD1 protein function. In summary, the available evidence is currently insufficient to determine the role of this variant in disease. Therefore, it has been classified as a Variant of Uncertain Significance.

NM_022455.5(NSD1):c.7454T>C (p.Val2485Ala)

Gene: NSD1 (nuclear receptor binding SET domain protein 1; plus strand). Cytogenetic location: 5q35.3.
Variant type: single nucleotide variant.
Coding change: c.7454T>C on transcript NM_022455.5 (MANE Select); coding-DNA position 7454, T replaced by C.
Protein change: p.Val2485Ala; replaces valine 2485 with alanine.
Molecular consequence: missense variant.
Genome position (GRCh38, 1-based): chr5:177,294,822, T>C. VCF-style: chr5-177294822-T-C. GRCh37 (hg19) VCF-style: chr5-176721823-T-C.
Other names: c.6581T>C, p.Val2194Ala (NM_001365684.2, NM_001409308.1, NM_172349.5); c.7454T>C, p.Val2485Ala (NM_001409301.1, NM_001409302.1, NM_001409303.1); c.7034T>C, p.Val2345Ala (NM_001409304.1); c.6701T>C, p.Val2234Ala (NM_001409305.1); c.6692T>C, p.Val2231Ala (NM_001409306.1, NM_001409307.1); c.6332T>C, p.Val2111Ala (NM_001409309.1); short protein forms V2111A, V2216A, V2234A, V2194A, V2231A, V2485A, V2345A.
Identifiers: ClinVar variation 1956408 (VCV001956408.5), dbSNP rs2480836787, ClinGen allele CA362332192.